The following is an entry in ClinVar:

ClinVar aggregate classification (germline): Uncertain significance. Review status: criteria provided, multiple submitters, no conflicts (2 of 4 stars). 2 submissions from 2 submitters: Uncertain significance (2). Last evaluated 2024-02-13.

Conditions:
Rhabdoid tumor predisposition syndrome 2 (RTPS2). Identifiers: Orphanet 231108, Orphanet 69077, MedGen C2750074, MONDO:0013224, OMIM 613325.
Hereditary cancer-predisposing syndrome. Also called: Hereditary Cancer Syndrome; Neoplastic Syndromes, Hereditary; Tumor predisposition; Hereditary neoplastic syndrome. Identifiers: Orphanet 140162, MedGen C0027672, MeSH D009386, MONDO:0015356.

gnomAD v4.1: 1 of 1,613,682 alleles (0.000062%); highest among the groups gnomAD compares: Non-Finnish European, 0.000085%; no homozygotes.

Submissions (2):

Ambry Genetics
Classification: Uncertain significance for Hereditary cancer-predisposing syndrome. Last evaluated: 2024-02-13. Review status: criteria provided, single submitter. Criteria: Ambry Variant Classification Scheme 2023. Collection method: clinical testing. Allele origin: germline.
Comment: The p.P4A variant (also known as c.10C>G), located in coding exon 1 of the SMARCA4 gene, results from a C to G substitution at nucleotide position 10. The proline at codon 4 is replaced by alanine, an amino acid with highly similar properties. This amino acid position is well conserved in available vertebrate species. In addition, the in silico prediction for this alteration is inconclusive. Based on the available evidence, the clinical significance of this alteration remains unclear.

Labcorp Genetics (formerly Invitae), Labcorp
Classification: Uncertain significance for Rhabdoid tumor predisposition syndrome 2. Last evaluated: 2020-08-01. Review status: criteria provided, single submitter. Criteria: Invitae Variant Classification Sherloc (09022015). Collection method: clinical testing. Allele origin: germline.
Comment: In summary, the available evidence is currently insufficient to determine the role of this variant in disease. Therefore, it has been classified as a Variant of Uncertain Significance. This variant has not been reported in the literature in individuals with SMARCA4-related conditions. This variant is not present in population databases (ExAC no frequency). This sequence change replaces proline with alanine at codon 4 of the SMARCA4 protein (p.Pro4Ala). The proline residue is highly conserved and there is a small physicochemical difference between proline and alanine.

NM_003072.5(SMARCA4):c.10C>G (p.Pro4Ala)

Gene: SMARCA4 (SWI/SNF related BAF chromatin remodeling complex subunit ATPase 4; plus strand). Cytogenetic location: 19p13.2.
Variant type: single nucleotide variant.
Coding change: c.10C>G on transcript NM_003072.5 (MANE Select); coding-DNA position 10, C replaced by G.
Protein change: p.Pro4Ala; replaces proline 4 with alanine.
Molecular consequence: missense variant. On other transcripts: non-coding transcript variant (1).
Genome position (GRCh38, 1-based): chr19:10,984,161, C>G. VCF-style: chr19-10984161-C-G. GRCh37 (hg19) VCF-style: chr19-11094837-C-G.
Other names: c.10C>G, p.Pro4Ala (NM_001128844.3, NM_001128845.2, NM_001128846.2 and 4 more transcripts); short protein forms P4A.
Identifiers: ClinVar variation 1024149 (VCV001024149.11), dbSNP rs2085801503, ClinGen allele CA404053854.